The following is an entry in ClinVar:

ClinVar aggregate classification (germline): Uncertain significance (1 of 4 stars; one submission).

Conditions:
CSMD1-related disorder. Also called: CSMD1-related condition.

Submission:

PreventionGenetics, part of Exact Sciences
Classification: Uncertain significance for CSMD1-related condition. Last evaluated: 2026-03-06. Review status: criteria provided, single submitter. Criteria: ACMG Guidelines, 2015. Collection method: clinical testing. Allele origin: germline.
Comment: The CSMD1 c.3239C>A variant is predicted to result in the amino acid substitution p.Ala1080Asp. To our knowledge, this variant has not been reported in the literature or in a large population database (gnomAD), indicating this variant is rare. At this time, the clinical significance of this variant is uncertain due to the absence of conclusive functional and genetic evidence.

NM_033225.6(CSMD1):c.3239C>A (p.Ala1080Asp)

Gene: CSMD1 (CUB and Sushi multiple domains 1; minus strand). Cytogenetic location: 8p23.2.
Variant type: single nucleotide variant.
Coding change: c.3239C>A on transcript NM_033225.6 (MANE Select); coding-DNA position 3239, C replaced by A.
Protein change: p.Ala1080Asp; replaces alanine 1080 with aspartic acid.
Molecular consequence: missense variant.
Genome position (GRCh38, 1-based): chr8:3,359,217, G>T on the plus strand (C>A on the coding strand, the complement: CSMD1 is on the minus strand). VCF-style: chr8-3359217-G-T. GRCh37 (hg19) VCF-style: chr8-3216739-G-T.
Other names: short protein forms A1080D.
Identifiers: ClinVar variation 4985673 (VCV004985673.1).